The following is an entry in ClinVar:

ClinVar aggregate classification (germline): Uncertain significance (1 of 4 stars; one submission).

Allele frequency attached by ClinVar (database versions not stated): gnomAD exomes below 0.00001; TOPMed 0.00001; ExAC 0.00002.
gnomAD v4.1: 4 of 1,614,064 alleles (0.00025%); highest among the groups gnomAD compares: East Asian, 0.0022%; no homozygotes.

Submission:

Labcorp Genetics (formerly Invitae), Labcorp
Classification: Uncertain significance. Last evaluated: 2023-05-11. Review status: criteria provided, single submitter. Criteria: Invitae Variant Classification Sherloc (09022015). Collection method: clinical testing. Allele origin: germline.
Comment: In summary, the available evidence is currently insufficient to determine the role of this variant in disease. Therefore, it has been classified as a Variant of Uncertain Significance. Advanced modeling of protein sequence and biophysical properties (such as structural, functional, and spatial information, amino acid conservation, physicochemical variation, residue mobility, and thermodynamic stability) performed at Invitae indicates that this missense variant is not expected to disrupt KMT2A protein function. This variant has not been reported in the literature in individuals affected with KMT2A-related conditions. This variant is present in population databases (rs782535422, gnomAD 0.006%). This sequence change replaces threonine, which is neutral and polar, with methionine, which is neutral and non-polar, at codon 263 of the KMT2A protein (p.Thr263Met).

NM_001197104.2(KMT2A):c.788C>T (p.Thr263Met)

Gene: KMT2A (lysine methyltransferase 2A; plus strand). Cytogenetic location: 11q23.3.
Variant type: single nucleotide variant.
Coding change: c.788C>T on transcript NM_001197104.2 (MANE Select); coding-DNA position 788, C replaced by T.
Protein change: p.Thr263Met; replaces threonine 263 with methionine.
Molecular consequence: missense variant.
Genome position (GRCh38, 1-based): chr11:118,471,947, C>T. VCF-style: chr11-118471947-C-T. GRCh37 (hg19) VCF-style: chr11-118342662-C-T.
Other names: c.887C>T, p.Thr296Met (NM_001412597.1); c.788C>T, p.Thr263Met (NM_005933.4); short protein forms T296M, T263M.
Identifiers: ClinVar variation 3002059 (VCV003002059.3), dbSNP rs782535422, ClinGen allele CA6303339.
Genomic context (GRCh38, chr11:118,471,947, plus strand): 5'-AGTTACCAAAGGGAAACAAAGAAGATAGCCTGAAAAAAATTAAAAGGACACCTTCTGCTA[C>T]GTTTCAGCAAGCCACAAAGATTAAAAAATTAAGAGCAGGTAAACTCTCTCCTCTCAAGTC-3'
Protein context (NP_001184033.1, residues 253-273): LKKIKRTPSA[Thr263Met]FQQATKIKKL